The following is an entry in ClinVar:

NM_031924.8(RSPH3):c.303A>G (p.Thr101=)

Gene: RSPH3 (radial spoke head 3; minus strand). Cytogenetic location: 6q25.3.
Variant type: single nucleotide variant.
Coding change: c.303A>G on transcript NM_031924.8 (MANE Select); coding-DNA position 303, A replaced by G.
Protein change: p.Thr101=; no amino-acid change (threonine 101 retained).
Molecular consequence: synonymous variant. On other transcripts: non-coding transcript variant (1), intron variant (1).
Genome position (GRCh38, 1-based): chr6:158,986,323, T>C on the plus strand (A>G on the coding strand, the complement: RSPH3 is on the minus strand). VCF-style: chr6-158986323-T-C. GRCh37 (hg19) VCF-style: chr6-159407355-T-C.
Other names: p.Thr243=; c.631-3635A>G (NM_001346418.1); c.729A>G (NM_031924.6).
Identifiers: ClinVar variation 475838 (VCV000475838.15), dbSNP rs34756688, ClinGen allele CA4075936.

ClinVar aggregate classification (germline): Benign/Likely benign. Review status: criteria provided, multiple submitters, no conflicts (2 of 4 stars). 6 submissions from 6 submitters: Benign (3); Likely benign (3). Last evaluated 2026-02-01.

Conditions:
Primary ciliary dyskinesia 32. Also called: CILIARY DYSKINESIA, PRIMARY, 32, WITHOUT SITUS INVERSUS. Identifiers: Orphanet 244, MedGen C4225311, MONDO:0014657, OMIM 616481.

Allele frequency attached by ClinVar (database versions not stated): 1000 Genomes Project 0.01418; 1000 Genomes Project 30x 0.01530; gnomAD 0.01596; TOPMed 0.01857; ESP Exome Variant Server 0.02007.
gnomAD v4.1: 34,276 of 1,614,006 alleles (2.1%); highest among the groups gnomAD compares: Middle Eastern, 2.5%; 415 homozygotes.

Submissions (6):

Labcorp Genetics (formerly Invitae), Labcorp
Classification: Benign for Primary ciliary dyskinesia 32. Last evaluated: 2026-02-01. Review status: criteria provided, single submitter. Criteria: Invitae Variant Classification Sherloc (09022015). Collection method: clinical testing. Allele origin: germline.

Blueprint Genetics
Classification: Likely benign. Last evaluated: 2024-11-26. Review status: criteria provided, single submitter. Criteria: ACMG Guidelines, 2015. Collection method: clinical testing. Allele origin: germline.

Mayo Clinic Laboratories, Mayo Clinic
Classification: Benign. Last evaluated: 2024-04-29. Review status: criteria provided, single submitter. Criteria: ACMG Guidelines, 2015. Collection method: clinical testing. Allele origin: germline. Observed: 9 variant alleles.
Comment: BS1, BS2, BP4, BP7

ARUP Laboratories, Molecular Genetics and Genomics, ARUP Laboratories
Classification: Benign for Primary ciliary dyskinesia 32. Last evaluated: 2023-11-09. Review status: criteria provided, single submitter. Criteria: ARUP Molecular Germline Variant Investigation Process 2024. Collection method: clinical testing. Allele origin: germline.

GeneDx
Classification: Likely benign. Last evaluated: 2020-10-13. Review status: criteria provided, single submitter. Criteria: GeneDx Variant Classification Process June 2021. Collection method: clinical testing. Allele origin: germline. Affected: yes.

Breakthrough Genomics
Classification: Likely benign. Review status: criteria provided, single submitter. Criteria: ACMG Guidelines, 2015. Collection method: not provided. Allele origin: germline. Inheritance: Autosomal recessive inheritance. Affected: yes.